The following is an entry in ClinVar:

ClinVar aggregate classification (germline): Uncertain significance (1 of 4 stars; one submission).

Allele frequency attached by ClinVar (database versions not stated): gnomAD exomes 0.00001.
gnomAD v4.1: 8 of 1,613,770 alleles (0.0005%); highest among the groups gnomAD compares: Non-Finnish European, 0.00068%; no homozygotes.

Submission:

Labcorp Genetics (formerly Invitae), Labcorp
Classification: Uncertain significance. Last evaluated: 2022-11-08. Review status: criteria provided, single submitter. Criteria: Invitae Variant Classification Sherloc (09022015). Collection method: clinical testing. Allele origin: germline.
Comment: In summary, the available evidence is currently insufficient to determine the role of this variant in disease. Therefore, it has been classified as a Variant of Uncertain Significance. Algorithms developed to predict the effect of missense changes on protein structure and function output the following: SIFT: "Deleterious"; PolyPhen-2: "Benign"; Align-GVGD: "Class C55". The threonine amino acid residue is found in multiple mammalian species, which suggests that this missense change does not adversely affect protein function. This variant has not been reported in the literature in individuals affected with PRDM5-related conditions. This variant is not present in population databases (gnomAD no frequency). This sequence change replaces serine, which is neutral and polar, with threonine, which is neutral and polar, at codon 90 of the PRDM5 protein (p.Ser90Thr).

NM_018699.4(PRDM5):c.268T>A (p.Ser90Thr)

Gene: PRDM5 (PR/SET domain 5; minus strand). Cytogenetic location: 4q27.
Variant type: single nucleotide variant.
Coding change: c.268T>A on transcript NM_018699.4 (MANE Select); coding-DNA position 268, T replaced by A.
Protein change: p.Ser90Thr; replaces serine 90 with threonine.
Molecular consequence: missense variant.
Genome position (GRCh38, 1-based): chr4:120,853,450, A>T on the plus strand (T>A on the coding strand, the complement: PRDM5 is on the minus strand). VCF-style: chr4-120853450-A-T. GRCh37 (hg19) VCF-style: chr4-121774605-A-T.
Other names: c.268T>A, p.Ser90Thr (NM_001300823.2, NM_001300824.2, NM_001379104.1 and 1 more transcripts); short protein forms S90T.
Identifiers: ClinVar variation 1716860 (VCV001716860.5), dbSNP rs1759514720, ClinGen allele CA358210681.